The following is an entry in ClinVar:

ClinVar aggregate classification (germline): Conflicting classifications of pathogenicity. Review status: criteria provided, conflicting classifications (1 of 4 stars). 2 submissions from 2 submitters: Uncertain significance (1); Likely benign (1). Last evaluated 2021-09-01.

Conditions:
Lynch syndrome. Identifiers: Orphanet 144, MedGen C4552100, MONDO:0005835. Disease mechanism: loss of function.
Hereditary nonpolyposis colorectal neoplasms. Identifiers: MedGen C0009405, MeSH D003123.

Submissions (2):

Labcorp Genetics (formerly Invitae), Labcorp
Classification: Uncertain significance for Hereditary nonpolyposis colorectal neoplasms. Last evaluated: 2021-09-01. Review status: criteria provided, single submitter. Criteria: Invitae Variant Classification Sherloc (09022015). Collection method: clinical testing. Allele origin: germline.
Comment: This sequence change replaces arginine with lysine at codon 635 of the MSH6 protein (p.Arg635Lys). The arginine residue is weakly conserved and there is a small physicochemical difference between arginine and lysine. This variant is not present in population databases (ExAC no frequency). This variant has not been reported in the literature in individuals affected with MSH6-related conditions. Algorithms developed to predict the effect of missense changes on protein structure and function output the following: SIFT: "Tolerated"; PolyPhen-2: "Benign"; Align-GVGD: "Class C0". The lysine amino acid residue is found in multiple mammalian species, which suggests that this missense change does not adversely affect protein function. In summary, the available evidence is currently insufficient to determine the role of this variant in disease. Therefore, it has been classified as a Variant of Uncertain Significance.

University of Washington Department of Laboratory Medicine, University of Washington
Classification: Likely benign for Lynch syndrome. Last evaluated: 2018-05-01. Review status: criteria provided, single submitter. Criteria: Shirts BH et al. (Am J Hum Genet 2018). Collection method: clinical testing. Allele origin: somatic. Affected: yes.
Comment: MSH6 NM_000179.2:c.1904G>A has a 1.8% probability of pathogenicity based on combining prior probability from public data with a likelihood ratio of 0.16 to 1, generated from evidence of seeing this as a somatic mutation in a tumor with loss of heterozygosity at the MSH6 locus. See Shirts et al 2018, PMID 29887214.

NM_000179.3(MSH6):c.1904G>A (p.Arg635Lys)

Gene: MSH6 (mutS homolog 6; plus strand). Cytogenetic location: 2p16.3.
Variant type: single nucleotide variant.
Coding change: c.1904G>A on transcript NM_000179.3 (MANE Select); coding-DNA position 1904, G replaced by A.
Protein change: p.Arg635Lys; replaces arginine 635 with lysine.
Molecular consequence: missense variant.
Genome position (GRCh38, 1-based): chr2:47,799,887, G>A. VCF-style: chr2-47799887-G-A. GRCh37 (hg19) VCF-style: chr2-48027026-G-A.
Other names: c.1514G>A, p.Arg505Lys (NM_001281492.2); c.998G>A, p.Arg333Lys (NM_001281493.2, NM_001281494.2); short protein forms R635K, R333K, R505K.
Identifiers: ClinVar variation 619539 (VCV000619539.11), dbSNP rs1558663439, ClinGen allele CA346750130.